The following is an entry in ClinVar:

NM_182972.3(IRF2BP2):c.232T>C (p.Ser78Pro)

Genes: IRF2BP2 (interferon regulatory factor 2 binding protein 2; minus strand), LOC129932812 (ATAC-STARR-seq lymphoblastoid silent region 1977; plus strand). Cytogenetic location: 1q42.3.
Variant type: single nucleotide variant.
Coding change: c.232T>C on transcript NM_182972.3 (MANE Select); coding-DNA position 232, T replaced by C.
Protein change: p.Ser78Pro; replaces serine 78 with proline.
Molecular consequence: missense variant.
Genome position (GRCh38, 1-based): chr1:234,609,263, A>G on the plus strand (T>C on the coding strand, the complement: IRF2BP2 is on the minus strand). VCF-style: chr1-234609263-A-G. GRCh37 (hg19) VCF-style: chr1-234745009-A-G.
Other names: c.232T>C, p.Ser78Pro (NM_001077397.1); short protein forms S78P.
Identifiers: ClinVar variation 402984 (VCV000402984.19), dbSNP rs7545855, ClinGen allele CA1461880.

ClinVar aggregate classification (germline): Benign/Likely benign. Review status: criteria provided, multiple submitters, no conflicts (2 of 4 stars). 8 submissions from 8 submitters: Benign (7); Likely benign (1). Last evaluated 2026-02-04.

Conditions:
Immunodeficiency, common variable, 14. Identifiers: Orphanet 696904, MedGen C4540380, MONDO:0054691, OMIM 617765.

Allele frequency attached by ClinVar (database versions not stated): 1000 Genomes Project 0.60383; gnomAD exomes 0.60976 and 0.70774; 1000 Genomes Project 30x 0.61415; ExAC 0.63648; TOPMed 0.72303; gnomAD 0.72835 and 0.74265.

Submissions (8):

Labcorp Genetics (formerly Invitae), Labcorp
Classification: Benign. Last evaluated: 2026-02-04. Review status: criteria provided, single submitter. Criteria: Invitae Variant Classification Sherloc (09022015). Collection method: clinical testing. Allele origin: germline.

Women's Health and Genetics/Laboratory Corporation of America, LabCorp
Classification: Benign. Last evaluated: 2026-01-22. Review status: criteria provided, single submitter. Criteria: LabCorp Variant Classification Summary - May 2015. Collection method: clinical testing. Allele origin: germline.
Comment: Variant summary: IRF2BP2 c.232T>C (p.Ser78Pro) results in a non-conservative amino acid change in the encoded protein sequence. Algorithms developed to predict the effect of missense changes on protein structure and function are either unavailable or do not agree on the potential impact of this missense change. The variant allele was found at a frequency of 0.61 in 19032 control chromosomes, suggesting that it is the major allele and therefore benign. The observed variant frequency exceeds the estimated maximal expected allele frequency for disease-causing variants in IRF2BP2. To our knowledge, no occurrence of c.232T>C in individuals affected with IRF2BP2-related conditions and no experimental evidence demonstrating its impact on protein function have been reported. ClinVar contains an entry for this variant (Variation ID: 402984). Based on the evidence outlined above, the variant was classified as benign.

Blueprint Genetics
Classification: Likely benign. Last evaluated: 2024-11-26. Review status: criteria provided, single submitter. Criteria: ACMG Guidelines, 2015. Collection method: clinical testing. Allele origin: germline.

Unidad de Genómica Garrahan, Hospital de Pediatría Garrahan
Classification: Benign. Last evaluated: 2024-01-24. Review status: criteria provided, single submitter. Criteria: ACMG Guidelines, 2015. Collection method: clinical testing. Allele origin: germline. Affected: no. Observed: 68 variant alleles.
Comment: This variant is classified as Benign based on local population frequency. This variant was detected in 72% of patients studied by a panel of primary immunodeficiencies. Number of patients: 68. Only high quality variants are reported.

Mayo Clinic Laboratories, Mayo Clinic
Classification: Benign. Last evaluated: 2022-09-06. Review status: criteria provided, single submitter. Criteria: ACMG Guidelines, 2015. Collection method: clinical testing. Allele origin: germline. Observed: 33 variant alleles.

Genome-Nilou Lab
Classification: Benign for Immunodeficiency, common variable, 14. Last evaluated: 2021-08-19. Review status: criteria provided, single submitter. Criteria: ACMG Guidelines, 2015. Collection method: clinical testing. Allele origin: germline. Affected: no.

Laboratory for Molecular Medicine, Mass General Brigham Personalized Medicine
Classification: Benign. Last evaluated: 2016-03-29. Review status: criteria provided, single submitter. Criteria: LMM Criteria. Collection method: clinical testing. Allele origin: germline.
Comment: Variant identified in a genome or exome case(s) and assessed due to predicted null impact of the variant or pathogenic assertions in the literature or databases. Disclaimer: This variant has not undergone full assessment. The following are preliminary notes: Frequency

Breakthrough Genomics
Classification: Benign. Review status: criteria provided, single submitter. Criteria: ACMG Guidelines, 2015. Collection method: not provided. Allele origin: germline. Inheritance: Autosomal dominant inheritance. Affected: yes.